The following is an entry in ClinVar:

NM_032043.3(BRIP1):c.1262A>T (p.Glu421Val)

Gene: BRIP1 (BRCA1 interacting DNA helicase 1; minus strand). Cytogenetic location: 17q23.2.
Variant type: single nucleotide variant.
Coding change: c.1262A>T on transcript NM_032043.3 (MANE Select); coding-DNA position 1262, A replaced by T.
Protein change: p.Glu421Val; replaces glutamic acid 421 with valine.
Molecular consequence: missense variant.
Genome position (GRCh38, 1-based): chr17:61,799,178, T>A on the plus strand (A>T on the coding strand, the complement: BRIP1 is on the minus strand). VCF-style: chr17-61799178-T-A. GRCh37 (hg19) VCF-style: chr17-59876539-T-A.
Other names: short protein forms E421V.
Identifiers: ClinVar variation 1044700 (VCV001044700.9), dbSNP rs2077948964, ClinGen allele CA400483577.

ClinVar aggregate classification (germline): Uncertain significance (1 of 4 stars; one submission).

Conditions:
Fanconi anemia complementation group J. Also called: BRIP1-Related Fanconi Anemia. Identifiers: Orphanet 84, MedGen C1836860, MONDO:0012187, OMIM 609054.
Familial cancer of breast. Also called: BREAST CANCER, FAMILIAL; Hereditary breast cancer; hereditary breast carcinoma. Identifiers: Orphanet 227535, MedGen C0346153, MONDO:0016419, OMIM 114480. Disease mechanism: loss of function.

Submission:

Labcorp Genetics (formerly Invitae), Labcorp
Classification: Uncertain significance for Familial cancer of breast; Fanconi anemia complementation group J. Last evaluated: 2020-07-27. Review status: criteria provided, single submitter. Criteria: Invitae Variant Classification Sherloc (09022015). Collection method: clinical testing. Allele origin: germline.
Comment: This variant has not been reported in the literature in individuals with BRIP1-related conditions. Algorithms developed to predict the effect of missense changes on protein structure and function are either unavailable or do not agree on the potential impact of this missense change (SIFT: "Tolerated"; PolyPhen-2: "Probably Damaging"; Align-GVGD: "Class C0"). In summary, the available evidence is currently insufficient to determine the role of this variant in disease. Therefore, it has been classified as a Variant of Uncertain Significance. This variant is not present in population databases (ExAC no frequency). This sequence change replaces glutamic acid with valine at codon 421 of the BRIP1 protein (p.Glu421Val). The glutamic acid residue is highly conserved and there is a moderate physicochemical difference between glutamic acid and valine.